The following is an entry in ClinVar:

NM_004168.4(SDHA):c.1432+4A>G

Gene: SDHA (succinate dehydrogenase complex flavoprotein subunit A; plus strand). Cytogenetic location: 5p15.33.
Variant type: single nucleotide variant.
Coding change: c.1432+4A>G on transcript NM_004168.4 (MANE Select); 4 bases into the intron after coding-DNA position 1432, A replaced by G.
Molecular consequence: intron variant.
Genome position (GRCh38, 1-based): chr5:236,603, A>G. VCF-style: chr5-236603-A-G. GRCh37 (hg19) VCF-style: chr5-236718-A-G.
Other names: c.1432+4A>G (NM_001330758.2); c.1288+4A>G (NM_001294332.2).
Identifiers: ClinVar variation 539634 (VCV000539634.9), dbSNP rs1553999798, ClinGen allele CA658796491.

ClinVar aggregate classification (germline): Uncertain significance. Review status: criteria provided, multiple submitters, no conflicts (2 of 4 stars). 2 submissions from 2 submitters: Uncertain significance (2). Last evaluated 2021-08-24.

Conditions:
Hereditary cancer-predisposing syndrome. Also called: Neoplastic Syndromes, Hereditary; Tumor predisposition; Hereditary neoplastic syndrome; Hereditary Cancer Syndrome. Identifiers: Orphanet 140162, MedGen C0027672, MeSH D009386, MONDO:0015356.
Mitochondrial complex II deficiency, nuclear type 1. Also called: SUCCINATE CoQ REDUCTASE DEFICIENCY. Identifiers: Orphanet 3208, MedGen C5700310, MONDO:0100294, OMIM 252011.
Pheochromocytoma/paraganglioma syndrome 5. Also called: Paragangliomas 5; SDHA-Related Hereditary Paraganglioma-Pheochromocytoma Syndrome. Identifiers: Orphanet 29072, MedGen C3279992, MONDO:0013602, OMIM 614165.

Allele frequency attached by ClinVar (database versions not stated): gnomAD exomes below 0.00001.
gnomAD v4.1: 1 of 1,613,762 alleles (0.000062%); highest among the groups gnomAD compares: Non-Finnish European, 0.000085%; no homozygotes.

Submissions (2):

Ambry Genetics
Classification: Uncertain significance for Hereditary cancer-predisposing syndrome. Last evaluated: 2021-08-24. Review status: criteria provided, single submitter. Criteria: Ambry Variant Classification Scheme 2023. Collection method: clinical testing. Allele origin: germline.
Comment: The c.1432+4A>G intronic variant results from an A to G substitution 4 nucleotides after coding exon 10 in the SDHA gene. This nucleotide position is not well conserved in available vertebrate species. In silico splice site analysis predicts that this alteration will not have any significant effect on splicing. Since supporting evidence is limited at this time, the clinical significance of this alteration remains unclear.

Labcorp Genetics (formerly Invitae), Labcorp
Classification: Uncertain significance for Pheochromocytoma/paraganglioma syndrome 5; Mitochondrial complex II deficiency, nuclear type 1. Last evaluated: 2017-12-17. Review status: criteria provided, single submitter. Criteria: Invitae Variant Classification Sherloc (09022015). Collection method: clinical testing. Allele origin: germline.
Comment: This sequence change falls in intron 10 of the SDHA gene. It does not directly change the encoded amino acid sequence of the SDHA protein, but it affects a nucleotide within the consensus splice site of the intron. This variant is not present in population databases (ExAC no frequency). This variant has not been reported in the literature in individuals with SDHA-related disease. Nucleotide substitutions within the consensus splice site are a relatively common cause of aberrant splicing (PMID: 17576681, 9536098). Algorithms developed to predict the effect of sequence changes on RNA splicing suggest that this variant may disrupt the consensus splice site, but this prediction has not been confirmed by published transcriptional studies. In summary, the available evidence is currently insufficient to determine the role of this variant in disease. Therefore, it has been classified as a Variant of Uncertain Significance.

Literature cited by the submitters: PubMed 17576681 (cited by Labcorp Genetics (formerly Invitae), Labcorp); PubMed 9536098 (cited by Labcorp Genetics (formerly Invitae), Labcorp).